The following is an entry in ClinVar:

NM_005733.3(KIF20A):c.2119A>G (p.Thr707Ala)

Gene: KIF20A (kinesin family member 20A; plus strand). Cytogenetic location: 5q31.2.
Variant type: single nucleotide variant.
Coding change: c.2119A>G on transcript NM_005733.3 (MANE Select); coding-DNA position 2119, A replaced by G.
Protein change: p.Thr707Ala; replaces threonine 707 with alanine.
Molecular consequence: missense variant.
Genome position (GRCh38, 1-based): chr5:138,185,704, A>G. VCF-style: chr5-138185704-A-G. GRCh37 (hg19) VCF-style: chr5-137521393-A-G.
Other names: short protein forms T707A.
Identifiers: ClinVar variation 2777653 (VCV002777653.3), dbSNP rs1754732834, ClinGen allele CA361118349.

ClinVar aggregate classification (germline): Uncertain significance (1 of 4 stars; one submission).

Allele frequency attached by ClinVar (database versions not stated): gnomAD exomes below 0.00001.
gnomAD v4.1: 4 of 1,614,074 alleles (0.00025%); highest among the groups gnomAD compares: Non-Finnish European, 0.00034%; no homozygotes.

Submission:

Labcorp Genetics (formerly Invitae), Labcorp
Classification: Uncertain significance. Last evaluated: 2025-12-29. Review status: criteria provided, single submitter. Criteria: Invitae Variant Classification Sherloc (09022015). Collection method: clinical testing. Allele origin: germline.
Comment: This sequence change replaces threonine, which is neutral and polar, with alanine, which is neutral and non-polar, at codon 707 of the KIF20A protein (p.Thr707Ala). This variant is not present in population databases (gnomAD no frequency). This variant has not been reported in the literature in individuals affected with KIF20A-related conditions. ClinVar contains an entry for this variant (Variation ID: 2777653). An algorithm developed to predict the effect of missense changes on protein structure and function (PolyPhen-2) suggests that this variant is likely to be tolerated. In summary, the available evidence is currently insufficient to determine the role of this variant in disease. Therefore, it has been classified as a Variant of Uncertain Significance.